The following is an entry in ClinVar:

NM_153717.3(EVC):c.2298C>T (p.Asp766=)

Gene: EVC (EvC ciliary complex subunit 1; plus strand). Cytogenetic location: 4p16.2.
Variant type: single nucleotide variant.
Coding change: c.2298C>T on transcript NM_153717.3 (MANE Select); coding-DNA position 2298, C replaced by T.
Protein change: p.Asp766=; no amino-acid change (aspartic acid 766 retained).
Molecular consequence: synonymous variant.
Genome position (GRCh38, 1-based): chr4:5,798,786, C>T. VCF-style: chr4-5798786-C-T. GRCh37 (hg19) VCF-style: chr4-5800513-C-T.
Other names: c.2298C>T, p.Asp766= (NM_001306090.2).
Identifiers: ClinVar variation 262772 (VCV000262772.20), dbSNP rs140546984, ClinGen allele CA2836433.

ClinVar aggregate classification (germline): Conflicting classifications of pathogenicity. Review status: criteria provided, conflicting classifications (1 of 4 stars). 6 submissions from 6 submitters: Uncertain significance (1); Benign (1); Likely benign (4). Last evaluated 2026-07-01.

Conditions:
Curry-Hall syndrome (WAD). Also called: WEYERS ACRODENTAL DYSOSTOSIS. Identifiers: Orphanet 952, MedGen C0457013, MONDO:0008673, OMIM 193530.
Ellis-van Creveld syndrome (EVC). Also called: MESOECTODERMAL DYSPLASIA; Chondroectodermal dysplasia. Identifiers: Orphanet 289, MedGen C0013903, MONDO:0009162, OMIM 225500.

Allele frequency attached by ClinVar (database versions not stated): TOPMed 0.00009; gnomAD 0.00010 and 0.00011; gnomAD exomes 0.00010 and 0.00021; ESP Exome Variant Server 0.00016; ExAC 0.00019.
gnomAD v4.1: 172 of 1,610,764 alleles (0.011%); highest among the groups gnomAD compares: Middle Eastern, 0.2%; no homozygotes.

Submissions (6):

CeGaT Center for Human Genetics Tuebingen
Classification: Likely benign. Last evaluated: 2026-07-01. Review status: criteria provided, single submitter. Criteria: CeGaT Center For Human Genetics Tuebingen Variant Classification Criteria Version 2. Collection method: clinical testing. Allele origin: germline. Affected: yes. Observed: 1 variant allele.
Comment: EVC: BP4, BP7

Labcorp Genetics (formerly Invitae), Labcorp
Classification: Benign for Curry-Hall syndrome; Ellis-van Creveld syndrome. Last evaluated: 2026-01-25. Review status: criteria provided, single submitter. Criteria: Invitae Variant Classification Sherloc (09022015). Collection method: clinical testing. Allele origin: germline.

Blueprint Genetics
Classification: Likely benign. Last evaluated: 2024-08-30. Review status: criteria provided, single submitter. Criteria: ACMG Guidelines, 2015. Collection method: clinical testing. Allele origin: germline.

GeneDx
Classification: Likely benign. Last evaluated: 2020-10-29. Review status: criteria provided, single submitter. Criteria: GeneDx Variant Classification Process June 2021. Collection method: clinical testing. Allele origin: germline. Affected: yes.

Illumina Laboratory Services, Illumina
Classification: Uncertain significance for Ellis-van Creveld syndrome. Last evaluated: 2018-01-12. Review status: criteria provided, single submitter. Criteria: ICSL Variant Classification Criteria 13 December 2019. Collection method: clinical testing. Allele origin: germline.

PreventionGenetics, part of Exact Sciences
Classification: Likely benign. Review status: criteria provided, single submitter. Criteria: ACMG Guidelines, 2015. Collection method: clinical testing. Allele origin: germline.